The following is an entry in ClinVar:

NM_018896.5(CACNA1G):c.6308T>C (p.Leu2103Pro)

Gene: CACNA1G (calcium voltage-gated channel subunit alpha1 G; plus strand). Cytogenetic location: 17q21.33.
Variant type: single nucleotide variant.
Coding change: c.6308T>C on transcript NM_018896.5 (MANE Select); coding-DNA position 6308, T replaced by C.
Protein change: p.Leu2103Pro; replaces leucine 2103 with proline.
Molecular consequence: missense variant. On other transcripts: non-coding transcript variant (5).
Genome position (GRCh38, 1-based): chr17:50,624,438, T>C. VCF-style: chr17-50624438-T-C. GRCh37 (hg19) VCF-style: chr17-48701799-T-C.
Other names: c.6119T>C, p.Leu2040Pro (NM_001256324.2); c.6050T>C, p.Leu2017Pro (NM_001256325.2); c.6038T>C, p.Leu2013Pro (NM_001256326.2); c.6008T>C, p.Leu2003Pro (NM_001256327.2); c.5954T>C, p.Leu1985Pro (NM_001256328.2); c.5927T>C, p.Leu1976Pro (NM_001256329.2, NM_198376.3, NM_198387.3); c.5894T>C, p.Leu1965Pro (NM_001256330.2); c.5873T>C, p.Leu1958Pro (NM_001256331.2); and 15 more; short protein forms L1953P, L1965P, L1969P, L1974P, L1987P, L2010P, L2032P, L2040P.
Identifiers: ClinVar variation 3262757 (VCV003262757.3).

ClinVar aggregate classification (germline): Uncertain significance. Review status: criteria provided, multiple submitters, no conflicts (2 of 4 stars). 3 submissions from 3 submitters: Uncertain significance (3). Last evaluated 2025-04-12.

Conditions:
Inborn genetic diseases. Identifiers: MedGen C0950123, MeSH D030342.

gnomAD v4.1: 15 of 1,598,596 alleles (0.00094%); highest among the groups gnomAD compares: Admixed American, 0.0086%; no homozygotes.

Submissions (3):

Labcorp Genetics (formerly Invitae), Labcorp
Classification: Uncertain significance. Last evaluated: 2025-04-12. Review status: criteria provided, single submitter. Criteria: Invitae Variant Classification Sherloc (09022015). Collection method: clinical testing. Allele origin: germline.
Comment: This sequence change replaces leucine, which is neutral and non-polar, with proline, which is neutral and non-polar, at codon 2103 of the CACNA1G protein (p.Leu2103Pro). The frequency data for this variant in the population databases is considered unreliable, as metrics indicate poor data quality at this position in the gnomAD database. This variant has not been reported in the literature in individuals affected with CACNA1G-related conditions. ClinVar contains an entry for this variant (Variation ID: 3262757). Invitae Evidence Modeling of protein sequence and biophysical properties (such as structural, functional, and spatial information, amino acid conservation, physicochemical variation, residue mobility, and thermodynamic stability) has been performed for this missense variant. However, the output from this modeling did not meet the statistical confidence thresholds required to predict the impact of this variant on CACNA1G protein function. In summary, the available evidence is currently insufficient to determine the role of this variant in disease. Therefore, it has been classified as a Variant of Uncertain Significance.

Ambry Genetics
Classification: Uncertain significance for Inborn genetic diseases. Last evaluated: 2024-03-31. Review status: criteria provided, single submitter. Criteria: Ambry Variant Classification Scheme 2023. Collection method: clinical testing. Allele origin: germline.

Blueprint Genetics
Classification: Uncertain significance. Last evaluated: 2023-03-03. Review status: criteria provided, single submitter. Criteria: ACMG Guidelines, 2015. Collection method: clinical testing. Allele origin: germline.